The following is an entry in ClinVar:

NM_001035.3(RYR2):c.12636C>G (p.Asn4212Lys)

Genes: RYR2 (ryanodine receptor 2; plus strand), LOC126806068 (BRD4-independent group 4 enhancer GRCh37_chr1:237947411-237948610; plus strand). Cytogenetic location: 1q43.
Variant type: single nucleotide variant.
Coding change: c.12636C>G on transcript NM_001035.3 (MANE Select); coding-DNA position 12636, C replaced by G.
Protein change: p.Asn4212Lys; replaces asparagine 4212 with lysine.
Molecular consequence: missense variant.
Genome position (GRCh38, 1-based): chr1:237,784,348, C>G. VCF-style: chr1-237784348-C-G. GRCh37 (hg19) VCF-style: chr1-237947648-C-G.
Other names: short protein forms N4212K.
Identifiers: ClinVar variation 3070495 (VCV003070495.1), dbSNP rs1041564863, ClinGen allele CA39827800.

ClinVar aggregate classification (germline): Uncertain significance (1 of 4 stars; one submission).

Conditions:
Catecholaminergic polymorphic ventricular tachycardia (CVPT). Also called: Catecholamine-induced polymorphic ventricular tachycardia. Identifiers: Orphanet 3286, MedGen C5574922, MONDO:0017990.

Allele frequency attached by ClinVar (database versions not stated): gnomAD 0.00001.
gnomAD v4.1: 2 of 1,613,638 alleles (0.00012%); highest among the groups gnomAD compares: African/African-American, 0.0013%; no homozygotes.

Submission:

All of Us Research Program, National Institutes of Health
Classification: Uncertain significance for Catecholaminergic polymorphic ventricular tachycardia. Last evaluated: 2023-04-27. Review status: criteria provided, single submitter. Criteria: ACMG Guidelines, 2015. Collection method: clinical testing. Allele origin: germline. Inheritance: Autosomal dominant inheritance. Observed: 1 variant allele, 1 heterozygote.
Comment: This study involves interpretation of variants in research participants for the purpose of population health screening. Participant phenotype was not available at the time of variant classification. Additional details can be found in publication PMID: 35346344, PMCID: PMC8962531